The following is an entry in ClinVar:

ClinVar aggregate classification (germline): Uncertain significance. Review status: criteria provided, multiple submitters, no conflicts (2 of 4 stars). 2 submissions from 2 submitters: Uncertain significance (2). Last evaluated 2026-05-03.

Conditions:
RPGRIP1L-related disorder. Also called: RPGRIP1L-related disorders; RPGRIP1L-related condition. Identifiers: MedGen CN239416.
Meckel-Gruber syndrome. Also called: DYSENCEPHALIA SPLANCHNOCYSTICA; GRUBER SYNDROME; Dysencephalia splachnocystica. Identifiers: Orphanet 564, MedGen C0265215, MONDO:0018921.
Joubert syndrome. Also called: Familial aplasia of the vermis; JOUBERT-BOLTSHAUSER SYNDROME. Identifiers: Orphanet 475, MedGen C5979921, MONDO:0018772.

gnomAD v4.1: 53 of 1,613,824 alleles (0.0033%); highest among the groups gnomAD compares: Middle Eastern, 0.016%; no homozygotes.

Submissions (2):

PreventionGenetics, part of Exact Sciences
Classification: Uncertain significance for RPGRIP1L-related condition. Last evaluated: 2026-05-03. Review status: criteria provided, single submitter. Criteria: ACMG Guidelines, 2015. Collection method: clinical testing. Allele origin: germline.
Comment: The RPGRIP1L c.100C>T variant is predicted to result in the amino acid substitution p.Arg34Trp. To our knowledge, this variant has not been reported in the literature. This variant is reported in 0.0023% of alleles in individuals of European (Non-Finnish) descent in gnomAD. At this time, the clinical significance of this variant is uncertain due to the absence of conclusive functional and genetic evidence.

Labcorp Genetics (formerly Invitae), Labcorp
Classification: Uncertain significance for Joubert syndrome; Meckel-Gruber syndrome. Last evaluated: 2024-12-22. Review status: criteria provided, single submitter. Criteria: Invitae Variant Classification Sherloc (09022015). Collection method: clinical testing. Allele origin: germline.
Comment: This sequence change replaces arginine, which is basic and polar, with tryptophan, which is neutral and slightly polar, at codon 34 of the RPGRIP1L protein (p.Arg34Trp). This variant is present in population databases (rs565245381, gnomAD 0.003%). This variant has not been reported in the literature in individuals affected with RPGRIP1L-related conditions. ClinVar contains an entry for this variant (Variation ID: 1980780). Invitae Evidence Modeling of protein sequence and biophysical properties (such as structural, functional, and spatial information, amino acid conservation, physicochemical variation, residue mobility, and thermodynamic stability) indicates that this missense variant is not expected to disrupt RPGRIP1L protein function with a negative predictive value of 80%. In summary, the available evidence is currently insufficient to determine the role of this variant in disease. Therefore, it has been classified as a Variant of Uncertain Significance.

NM_015272.5(RPGRIP1L):c.100C>T (p.Arg34Trp)

Gene: RPGRIP1L (RPGRIP1 like; minus strand). Cytogenetic location: 16q12.2.
Variant type: single nucleotide variant.
Coding change: c.100C>T on transcript NM_015272.5 (MANE Select); coding-DNA position 100, C replaced by T.
Protein change: p.Arg34Trp; replaces arginine 34 with tryptophan.
Molecular consequence: missense variant.
Genome position (GRCh38, 1-based): chr16:53,696,281, G>A on the plus strand (C>T on the coding strand, the complement: RPGRIP1L is on the minus strand). VCF-style: chr16-53696281-G-A. GRCh37 (hg19) VCF-style: chr16-53730193-G-A.
Other names: c.100C>T (NM_015272.4); c.100C>T, p.Arg34Trp (NM_001127897.4, NM_001308334.3, NM_001328422.2 and 2 more transcripts); short protein forms R34W.
Identifiers: ClinVar variation 1980780 (VCV001980780.4), dbSNP rs565245381, ClinGen allele CA8058212.